The following is an entry in ClinVar:

ClinVar aggregate classification (germline): Uncertain significance. Review status: criteria provided, multiple submitters, no conflicts (2 of 4 stars). 4 submissions from 4 submitters: Uncertain significance (2). 2 of the submissions do not count toward it. Last evaluated 2026-02-09.

Conditions:
Nemaline myopathy 2 (NEM2). Also called: Nemaline myopathy 2, autosomal recessive. Identifiers: MedGen C1850569, MONDO:0009725, OMIM 256030.

Allele frequency attached by ClinVar (database versions not stated): gnomAD 0.00003; gnomAD exomes 0.00001 and 0.00002; TOPMed 0.00002; ExAC 0.00003.
gnomAD v4.1: 26 of 1,570,290 alleles (0.0017%); highest among the groups gnomAD compares: East Asian, 0.0069%; no homozygotes.

Submissions (4):

Dasa
Classification: Uncertain significance. Last evaluated: 2026-02-09. Review status: criteria provided, single submitter. Criteria: DASA Assertion Criteria. Collection method: clinical testing. Allele origin: germline.
Comment: NM_001164508.2(NEB):c.24299C>T (p.Ser8100Leu) is a missense variant that results in the substitution of serine with leucine. This variant is rare in population databases. The currently available literature and clinical evidence are not sufficient to establish a definitive association between this variant and the reported condition. Therefore, this variant is classified as a variant of uncertain significance.

Labcorp Genetics (formerly Invitae), Labcorp
Classification: Uncertain significance for Nemaline myopathy 2. Last evaluated: 2022-07-06. Review status: criteria provided, single submitter. Criteria: Invitae Variant Classification Sherloc (09022015). Collection method: clinical testing. Allele origin: germline.
Comment: This sequence change replaces serine, which is neutral and polar, with leucine, which is neutral and non-polar, at codon 8135 of the NEB protein (p.Ser8135Leu). This variant is present in population databases (rs759261311, gnomAD 0.002%). This variant has not been reported in the literature in individuals affected with NEB-related conditions. ClinVar contains an entry for this variant (Variation ID: 465580). Algorithms developed to predict the effect of missense changes on protein structure and function are either unavailable or do not agree on the potential impact of this missense change (SIFT: "Deleterious"; PolyPhen-2: "Not Available"; Align-GVGD: "Class C0"). Algorithms developed to predict the effect of sequence changes on RNA splicing suggest that this variant may disrupt the consensus splice site. In summary, the available evidence is currently insufficient to determine the role of this variant in disease. Therefore, it has been classified as a Variant of Uncertain Significance.

Natera, Inc.
Classification: Uncertain significance for Nemaline myopathy type 2. Last evaluated: 2021-02-09. Review status: no assertion criteria provided. Collection method: clinical testing. Allele origin: germline. Not counted in ClinVar's aggregate classification.

Department of Pathology and Laboratory Medicine, Sinai Health System
Classification: Uncertain significance. Review status: no assertion criteria provided. Collection method: clinical testing. Allele origin: unknown. Affected: yes. Study: The Canadian Open Genetics Repository (COGR). Not counted in ClinVar's aggregate classification.

NM_001164508.2(NEB):c.24299C>T (p.Ser8100Leu)

Genes: RIF1 (replication timing regulatory factor 1; plus strand), NEB (nebulin; minus strand). Cytogenetic location: 2q23.3.
Variant type: single nucleotide variant.
Coding change: c.24299C>T on transcript NM_001164508.2 (MANE Select); coding-DNA position 24299, C replaced by T.
Protein change: p.Ser8100Leu; replaces serine 8100 with leucine.
Molecular consequence: missense variant. On other transcripts: intron variant (1).
Genome position (GRCh38, 1-based): chr2:151,497,627, G>A on the plus strand (C>T on the coding strand, the complement: NEB is on the minus strand). VCF-style: chr2-151497627-G-A. GRCh37 (hg19) VCF-style: chr2-152354141-G-A.
Other names: c.24299C>T, p.Ser8100Leu (NM_001164507.2); c.24404C>T, p.Ser8135Leu (NM_001271208.2); c.18826-1259C>T (NM_004543.5); short protein forms S8135L, S8100L.
Identifiers: ClinVar variation 465580 (VCV000465580.11), dbSNP rs759261311, ClinGen allele CA1906106.